The following is an entry in ClinVar:

ClinVar aggregate classification (germline): Likely benign. Review status: criteria provided, single submitter (1 of 4 stars). 2 submissions from 2 submitters: Likely benign (1). 1 of the submissions does not count toward it. Last evaluated 2025-05-19.

Conditions:
IFT172-related disorder. Also called: IFT172-related disorders; IFT172-related condition.
Short-rib thoracic dysplasia 10 with or without polydactyly (SRTD10). Identifiers: Orphanet 474, MedGen C3810175, MONDO:0014284, OMIM 615630.
Retinitis pigmentosa 71 (RP71). Identifiers: Orphanet 791, MedGen C4225342, MONDO:0014618, OMIM 616394.

Submissions (2):

Labcorp Genetics (formerly Invitae), Labcorp
Classification: Likely benign for Retinitis pigmentosa 71; Short-rib thoracic dysplasia 10 with or without polydactyly. Last evaluated: 2025-05-19. Review status: criteria provided, single submitter. Criteria: Invitae Variant Classification Sherloc (09022015). Collection method: clinical testing. Allele origin: germline.

PreventionGenetics, part of Exact Sciences
Classification: Likely benign for IFT172-related condition. Last evaluated: 2024-03-12. Review status: no assertion criteria provided. Collection method: clinical testing. Allele origin: germline. Not counted in ClinVar's aggregate classification.
Comment: This variant is classified as likely benign based on ACMG/AMP sequence variant interpretation guidelines (Richards et al. 2015 PMID: 25741868, with internal and published modifications).

NM_015662.3(IFT172):c.3885C>A (p.Ala1295=)

Genes: IFT172 (intraflagellar transport 172; minus strand), LOC126806173 (BRD4-independent group 4 enhancer GRCh37_chr2:27676057-27677256; plus strand). Cytogenetic location: 2p23.3.
Variant type: single nucleotide variant.
Coding change: c.3885C>A on transcript NM_015662.3 (MANE Select); coding-DNA position 3885, C replaced by A.
Protein change: p.Ala1295=; no amino-acid change (alanine 1295 retained).
Molecular consequence: synonymous variant.
Genome position (GRCh38, 1-based): chr2:27,453,450, G>T on the plus strand (C>A on the coding strand, the complement: IFT172 is on the minus strand). VCF-style: chr2-27453450-G-T. GRCh37 (hg19) VCF-style: chr2-27676317-G-T.
Other names: c.3819C>A, p.Ala1273= (NM_001410739.1).
Identifiers: ClinVar variation 3353953 (VCV003353953.3).